The following is an entry in ClinVar:

NM_001035.3(RYR2):c.4147C>T (p.Arg1383Cys)

Genes: RYR2 (ryanodine receptor 2; plus strand), LOC126806067 (BRD4-independent group 4 enhancer GRCh37_chr1:237753258-237754457; plus strand). Cytogenetic location: 1q43.
Variant type: single nucleotide variant.
Coding change: c.4147C>T on transcript NM_001035.3 (MANE Select); coding-DNA position 4147, C replaced by T.
Protein change: p.Arg1383Cys; replaces arginine 1383 with cysteine.
Molecular consequence: missense variant.
Genome position (GRCh38, 1-based): chr1:237,590,979, C>T. VCF-style: chr1-237590979-C-T. GRCh37 (hg19) VCF-style: chr1-237754279-C-T.
Other names: short protein forms R1383C.
Identifiers: ClinVar variation 3070824 (VCV003070824.2), dbSNP rs1675091182, ClinGen allele CA345397917.
Genomic context (GRCh38, chr1:237,590,979, plus strand): 5'-AAAGAAGCTACTAAACCAGAGTTTAACAACCACAAAGATTATGCCCAGGAAAAGCCCTCT[C>T]GTCTGAAACAAAGGTTACTAATTTATACGCTGTGATTTTAAATTTGTAGTTATGTGAGGA-3'
Protein context (NP_001026.2, residues 1373-1393): HKDYAQEKPS[Arg1383Cys]LKQRFLLRRT

ClinVar aggregate classification (germline): Uncertain significance. Review status: criteria provided, multiple submitters, no conflicts (2 of 4 stars). 2 submissions from 2 submitters: Uncertain significance (2). Last evaluated 2024-05-06.

Conditions:
Cardiomyopathy (CMYO). Also called: Cardiomyopathies. Identifiers: Orphanet 167848, MedGen C0878544, MONDO:0004994, HP:0001638. Inheritance: Various modes of inheritance.
Catecholaminergic polymorphic ventricular tachycardia (CVPT). Also called: Catecholamine-induced polymorphic ventricular tachycardia. Identifiers: Orphanet 3286, MedGen C5574922, MONDO:0017990.

Allele frequency attached by ClinVar (database versions not stated): TOPMed 0.00001.
gnomAD v4.1: 5 of 1,611,240 alleles (0.00031%); highest among the groups gnomAD compares: Admixed American, 0.0034%; no homozygotes.

Submissions (2):

Color Diagnostics, LLC DBA Color Health
Classification: Uncertain significance for Cardiomyopathy. Last evaluated: 2024-05-06. Review status: criteria provided, single submitter. Criteria: ACMG Guidelines, 2015. Collection method: clinical testing. Allele origin: germline.
Comment: This missense variant replaces arginine with cysteine at codon 1383 of the RYR2 protein. Computational prediction is inconclusive regarding the impact of this variant on protein structure and function (internally defined REVEL score threshold 0.5 < inconclusive < 0.7, PMID: 27666373). To our knowledge, functional studies have not been reported for this variant. This variant has not been reported in individuals affected with RYR2-related disorders in the literature. This variant has not been identified in the general population by the Genome Aggregation Database (gnomAD). The available evidence is insufficient to determine the role of this variant in disease conclusively. Therefore, this variant is classified as a Variant of Uncertain Significance.

All of Us Research Program, National Institutes of Health
Classification: Uncertain significance for Catecholaminergic polymorphic ventricular tachycardia. Last evaluated: 2023-05-04. Review status: criteria provided, single submitter. Criteria: ACMG Guidelines, 2015. Collection method: clinical testing. Allele origin: germline. Inheritance: Autosomal dominant inheritance. Observed: 1 variant allele, 1 heterozygote.
Comment: This missense variant replaces arginine with cysteine at codon 1383 of the RYR2 protein. Computational prediction is inconclusive regarding the impact of this variant on protein structure and function (internally defined REVEL score threshold 0.5 < inconclusive < 0.7, PMID: 27666373). To our knowledge, functional studies have not been reported for this variant. This variant has not been reported in individuals affected with RYR2-related disorders in the literature. This variant has not been identified in the general population by the Genome Aggregation Database (gnomAD). The available evidence is insufficient to determine the role of this variant in disease conclusively. Therefore, this variant is classified as a Variant of Uncertain Significance.

This study involves interpretation of variants in research participants for the purpose of population health screening. Participant phenotype was not available at the time of variant classification. Additional details can be found in publication PMID: 35346344, PMCID: PMC8962531